The following is an entry in ClinVar:

NM_001267550.2(TTN):c.747G>A (p.Leu249=)

Gene: TTN (titin; minus strand). Cytogenetic location: 2q31.2.
Variant type: single nucleotide variant.
Coding change: c.747G>A on transcript NM_001267550.2 (MANE Select); coding-DNA position 747, G replaced by A.
Protein change: p.Leu249=; no amino-acid change (leucine 249 retained).
Molecular consequence: synonymous variant.
Genome position (GRCh38, 1-based): chr2:178,799,654, C>T on the plus strand (G>A on the coding strand, the complement: TTN is on the minus strand). VCF-style: chr2-178799654-C-T. GRCh37 (hg19) VCF-style: chr2-179664381-C-T.
Other names: c.747G>A, p.Leu249= (NM_003319.4, NM_133378.4, NM_133379.5 and 3 more transcripts).
Identifiers: ClinVar variation 510097 (VCV000510097.7), dbSNP rs1554041576, ClinGen allele CA430283508.

ClinVar aggregate classification (germline): Likely benign. Review status: criteria provided, multiple submitters, no conflicts (2 of 4 stars). 4 submissions from 4 submitters: Likely benign (4). Last evaluated 2026-03-27.

Conditions:
Cardiovascular phenotype. Identifiers: MedGen CN230736.
Dilated cardiomyopathy 1G (CMD1G). Identifiers: Orphanet 154, MedGen C1858763, MONDO:0011400, OMIM 604145.
Autosomal recessive limb-girdle muscular dystrophy type 2J (LGMDR10). Also called: Limb-girdle muscular dystrophy, type 2J; MUSCULAR DYSTROPHY, LIMB-GIRDLE, AUTOSOMAL RECESSIVE 10. Identifiers: Orphanet 140922, MedGen C1837342, MONDO:0012127, OMIM 608807.

Allele frequency attached by ClinVar (database versions not stated): TOPMed 0.00001.

Submissions (4):

Molecular Diagnostic Laboratory for Inherited Cardiovascular Disease, Montreal Heart Institute
Classification: Likely benign. Last evaluated: 2026-03-27. Review status: criteria provided, single submitter. Criteria: ACMG Guidelines, 2015. Collection method: clinical testing. Allele origin: germline. Affected: no.

Labcorp Genetics (formerly Invitae), Labcorp
Classification: Likely benign for Dilated cardiomyopathy 1G; Autosomal recessive limb-girdle muscular dystrophy type 2J. Last evaluated: 2025-08-20. Review status: criteria provided, single submitter. Criteria: Invitae Variant Classification Sherloc (09022015). Collection method: clinical testing. Allele origin: germline.

Ambry Genetics
Classification: Likely benign for Cardiovascular phenotype. Last evaluated: 2023-04-09. Review status: criteria provided, single submitter. Criteria: Ambry Variant Classification Scheme 2023. Collection method: clinical testing. Allele origin: germline.

GeneDx
Classification: Likely benign. Last evaluated: 2017-06-07. Review status: criteria provided, single submitter. Criteria: GeneDx Variant Classification (06012015). Collection method: clinical testing. Allele origin: germline. Affected: yes.
Comment: This variant is considered likely benign or benign based on one or more of the following criteria: it is a conservative change, it occurs at a poorly conserved position in the protein, it is predicted to be benign by multiple in silico algorithms, and/or has population frequency not consistent with disease.